The following is an entry in ClinVar:

ClinVar aggregate classification (germline): Conflicting classifications of pathogenicity. Review status: criteria provided, conflicting classifications (1 of 4 stars). 13 submissions from 13 submitters: Uncertain significance (1); Benign (6); Likely benign (3). 3 of the submissions do not count toward it. Last evaluated 2026-08-01.

Conditions:
AARS1-related disorder. Also called: AARS1-related condition.
Inborn genetic diseases. Identifiers: MedGen C0950123, MeSH D030342.
Charcot-Marie-Tooth disease type 2. Also called: Charcot-Marie-Tooth type 2. Identifiers: Orphanet 64746, MedGen C0270914, MONDO:0018993.
Charcot-Marie-Tooth disease axonal type 2N (CMT2N). Also called: Charcot-Marie-Tooth Neuropathy Type 2N; CHARCOT-MARIE-TOOTH DISEASE, AXONAL, AUTOSOMAL DOMINANT, TYPE 2N; CHARCOT-MARIE-TOOTH NEUROPATHY, AXONAL, TYPE 2N. Identifiers: Orphanet 228174, MedGen C2750090, MONDO:0013212, OMIM 613287.

Allele frequency attached by ClinVar (database versions not stated): 1000 Genomes Project 30x 0.00109; 1000 Genomes Project 0.00140; ExAC 0.00146; gnomAD 0.00183 and 0.00190; gnomAD exomes 0.00194; TOPMed 0.00212; ESP Exome Variant Server 0.00231.
gnomAD v4.1: 2,821 of 1,614,154 alleles (0.17%); highest among the groups gnomAD compares: Middle Eastern, 0.26%; 4 homozygotes.

Submissions (20):

CeGaT Center for Human Genetics Tuebingen
Classification: Likely benign. Last evaluated: 2026-08-01. Review status: criteria provided, single submitter. Criteria: CeGaT Center For Human Genetics Tuebingen Variant Classification Criteria Version 2. Collection method: clinical testing. Allele origin: germline. Affected: yes. Observed: 24 variant alleles.
Comment: AARS1: BP4, BS1

Labcorp Genetics (formerly Invitae), Labcorp
Classification: Benign for Charcot-Marie-Tooth disease type 2. Last evaluated: 2026-02-02. Review status: criteria provided, single submitter. Criteria: Invitae Variant Classification Sherloc (09022015). Collection method: clinical testing. Allele origin: germline.

PreventionGenetics, part of Exact Sciences
Classification: Benign for AARS1-related condition. Last evaluated: 2026-01-07. Review status: criteria provided, single submitter. Criteria: ACMG Guidelines, 2015. Collection method: clinical testing. Allele origin: germline.
Comment: This variant is classified as benign based on ACMG/AMP sequence variant interpretation guidelines (Richards et al. 2015 PMID: 25741868, with internal and published modifications).

ARUP Laboratories, Molecular Genetics and Genomics, ARUP Laboratories
Classification: Benign. Last evaluated: 2025-03-26. Review status: criteria provided, single submitter. Criteria: ARUP Molecular Germline Variant Investigation Process 2024. Collection method: clinical testing. Allele origin: germline.

Mayo Clinic Laboratories, Mayo Clinic
Classification: Benign. Last evaluated: 2021-09-21. Review status: criteria provided, single submitter. Criteria: ACMG Guidelines, 2015. Collection method: clinical testing. Allele origin: germline. Observed: 11 variant alleles.

Ambry Genetics
Classification: Likely benign for Inborn genetic diseases. Last evaluated: 2021-02-02. Review status: criteria provided, single submitter. Criteria: Ambry Variant Classification Scheme 2023. Collection method: clinical testing. Allele origin: germline.

Illumina Laboratory Services, Illumina
Classification: Benign for Charcot-Marie-Tooth disease axonal type 2N. Last evaluated: 2018-01-12. Review status: criteria provided, single submitter. Criteria: ICSL Variant Classification Criteria 13 December 2019. Collection method: clinical testing. Allele origin: germline.
Comment: This variant was observed in the ICSL laboratory as part of a predisposition screen in an ostensibly healthy population. It had not been previously curated by ICSL or reported in the Human Gene Mutation Database (HGMD: prior to June 1st, 2018), and was therefore a candidate for classification through an automated scoring system. Utilizing variant allele frequency, disease prevalence and penetrance estimates, and inheritance mode, an automated score was calculated to assess if this variant is too frequent to cause the disease. Based on the score and internal cut-off values, a variant classified as benign is not then subjected to further curation. The score for this variant resulted in a classification of benign for this disease.

Genome Diagnostics Laboratory, University Medical Center Utrecht
Classification: Likely benign for Charcot-Marie-Tooth disease axonal type 2N. Last evaluated: 2016-05-03. Review status: criteria provided, single submitter. Criteria: ACGS Guidelines, 2013. Collection method: clinical testing. Allele origin: germline. Affected: yes. Study: VKGL Data-share Consensus.

GeneDx
Classification: Benign. Last evaluated: 2015-09-17. Review status: criteria provided, single submitter. Criteria: GeneDx Variant Classification (06012015). Collection method: clinical testing. Allele origin: germline. Affected: yes.
Comment: This variant is considered likely benign or benign based on one or more of the following criteria: it is a conservative change, it occurs at a poorly conserved position in the protein, it is predicted to be benign by multiple in silico algorithms, and/or has population frequency not consistent with disease.

Eurofins Ntd Llc (ga)
Classification: Uncertain significance. Last evaluated: 2014-11-23. Review status: criteria provided, single submitter. Criteria: EGL Classification Definitions 2015. Collection method: clinical testing. Allele origin: germline. Observed: 1 variant allele, 1 heterozygote.

Clinical Genetics DNA and cytogenetics Diagnostics Lab, Erasmus MC, Erasmus Medical Center
Classification: Likely benign. Review status: no assertion criteria provided. Collection method: clinical testing. Allele origin: germline. Affected: yes. Study: VKGL Data-share Consensus. Not counted in ClinVar's aggregate classification.

Clinical Genetics, Academic Medical Center
Classification: Likely benign. Review status: no assertion criteria provided. Collection method: clinical testing. Allele origin: germline. Affected: yes. Study: VKGL Data-share Consensus. Not counted in ClinVar's aggregate classification.

Dr. Peter K. Rogan Lab, Western University
No classification provided (evidence only). Condition: Clear cell carcinoma of kidney. Review status: no classification provided. Collection method: in vitro. Allele origin: not applicable. Functional consequence: retained intron. Not counted in ClinVar's aggregate classification.

Dr. Peter K. Rogan Lab, Western University
No classification provided (evidence only). Condition: Clear cell carcinoma of kidney. Review status: no classification provided. Collection method: in vitro. Allele origin: not applicable. Functional consequence: retained intron. Not counted in ClinVar's aggregate classification.

Dr. Peter K. Rogan Lab, Western University
No classification provided (evidence only). Condition: Colon adenocarcinoma. Review status: no classification provided. Collection method: in vitro. Allele origin: not applicable. Functional consequence: retained intron. Not counted in ClinVar's aggregate classification.

Dr. Peter K. Rogan Lab, Western University
No classification provided (evidence only). Condition: Colon adenocarcinoma. Review status: no classification provided. Collection method: in vitro. Allele origin: not applicable. Functional consequence: retained intron. Not counted in ClinVar's aggregate classification.

Dr. Peter K. Rogan Lab, Western University
No classification provided (evidence only). Condition: Ovarian serous cystadenocarcinoma. Review status: no classification provided. Collection method: in vitro. Allele origin: not applicable. Functional consequence: retained intron. Not counted in ClinVar's aggregate classification.

Dr. Peter K. Rogan Lab, Western University
No classification provided (evidence only). Condition: Ovarian serous cystadenocarcinoma. Review status: no classification provided. Collection method: in vitro. Allele origin: not applicable. Functional consequence: retained intron. Not counted in ClinVar's aggregate classification.

Dr. Peter K. Rogan Lab, Western University
No classification provided (evidence only). Condition: Gastric cancer. Review status: no classification provided. Collection method: in vitro. Allele origin: not applicable. Functional consequence: retained intron. Not counted in ClinVar's aggregate classification.

Laboratory of Diagnostic Genome Analysis, Leiden University Medical Center (LUMC)
Classification: Likely benign. Review status: no assertion criteria provided. Collection method: clinical testing. Allele origin: germline. Affected: yes. Study: VKGL Data-share Consensus. Not counted in ClinVar's aggregate classification.

NM_001605.3(AARS1):c.2521-3C>T

Gene: AARS1 (alanyl-tRNA synthetase 1; minus strand). Cytogenetic location: 16q22.1.
Variant type: single nucleotide variant.
Coding change: c.2521-3C>T on transcript NM_001605.3 (MANE Select); 3 bases into the intron before coding-DNA position 2521, C replaced by T.
Molecular consequence: intron variant.
Genome position (GRCh38, 1-based): chr16:70,253,803, G>A on the plus strand (C>T on the coding strand, the complement: AARS1 is on the minus strand). VCF-style: chr16-70253803-G-A. GRCh37 (hg19) VCF-style: chr16-70287706-G-A.
Other names: p.?.
Identifiers: ClinVar variation 194936 (VCV000194936.109), dbSNP rs200586605, ClinGen allele CA241180.